The following is an entry in ClinVar:

ClinVar aggregate classification (germline): Pathogenic (1 of 4 stars; one submission).

Conditions:
Generalized epilepsy-paroxysmal dyskinesia syndrome (PNKD3). Also called: Generalized epilepsy and paroxysmal dyskinesia; Paroxysmal nonkinesigenic dyskinesia, 3, with or without generalized epilepsy. Identifiers: Orphanet 79137, MedGen C5574945, MONDO:0012276, OMIM 609446.

Submission:

Labcorp Genetics (formerly Invitae), Labcorp
Classification: Pathogenic for Generalized epilepsy-paroxysmal dyskinesia syndrome. Last evaluated: 2025-04-18. Review status: criteria provided, single submitter. Criteria: Invitae Variant Classification Sherloc (09022015). Collection method: clinical testing. Allele origin: germline.
Comment: This sequence change replaces glycine, which is neutral and non-polar, with tryptophan, which is neutral and slightly polar, at codon 375 of the KCNMA1 protein (p.Gly375Trp). This variant is not present in population databases (gnomAD no frequency). This missense change has been observed in individual(s) with clinical features of KCNMA1-related conditions (internal data). In at least one individual the variant was observed to be de novo. ClinVar contains an entry for this variant (Variation ID: 3638934). Invitae Evidence Modeling of protein sequence and biophysical properties (such as structural, functional, and spatial information, amino acid conservation, physicochemical variation, residue mobility, and thermodynamic stability) indicates that this missense variant is expected to disrupt KCNMA1 protein function with a positive predictive value of 80%. This variant disrupts the p.Gly375 amino acid residue in KCNMA1. Other variant(s) that disrupt this residue have been determined to be pathogenic (PMID: 31152168). This suggests that this residue is clinically significant, and that variants that disrupt this residue are likely to be disease-causing. For these reasons, this variant has been classified as Pathogenic.

Literature cited by the submitters: PubMed 31152168.

NM_001161352.2(KCNMA1):c.1123G>T (p.Gly375Trp)

Gene: KCNMA1 (potassium calcium-activated channel subfamily M alpha 1; minus strand). Cytogenetic location: 10q22.3.
Variant type: single nucleotide variant.
Coding change: c.1123G>T on transcript NM_001161352.2 (MANE Select); coding-DNA position 1123, G replaced by T.
Protein change: p.Gly375Trp; replaces glycine 375 with tryptophan.
Molecular consequence: missense variant.
Genome position (GRCh38, 1-based): chr10:77,110,181, C>A on the plus strand (G>T on the coding strand, the complement: KCNMA1 is on the minus strand). VCF-style: chr10-77110181-C-A. GRCh37 (hg19) VCF-style: chr10-78869939-C-A.
Other names: c.1123G>T, p.Gly375Trp (NM_001014797.3, NM_001161353.2, NM_001271519.2 and 8 more transcripts); c.961G>T, p.Gly321Trp (NM_001271518.2); c.583G>T, p.Gly195Trp (NM_001322838.2); short protein forms G195W, G375W, G321W.
Identifiers: ClinVar variation 3638934 (VCV003638934.2).
Genomic context (GRCh38, chr10:77,110,181, plus strand): 5'-GAAAATATTAACAGCCATCAAAATCAACATCATAATAAAGATTTTTTTTTACCAGTCCCC[C>A]GAGGATGAAGAAGACCATGAAGAGGCGCCCAAGTGTGGTTTTTGCATAAACATCCCCATA-3'
Protein context (NP_001154824.1, residues 365-385): GRLFMVFFIL[Gly375Trp]GLAMFASYVP